The following is an entry in ClinVar:

NM_000070.3(CAPN3):c.1116-116C>G

Gene: CAPN3 (calpain 3; plus strand). Cytogenetic location: 15q15.1.
Variant type: single nucleotide variant.
Coding change: c.1116-116C>G on transcript NM_000070.3 (MANE Select); 116 bases into the intron before coding-DNA position 1116, C replaced by G.
Molecular consequence: intron variant.
Genome position (GRCh38, 1-based): chr15:42,396,684, C>G. VCF-style: chr15-42396684-C-G. GRCh37 (hg19) VCF-style: chr15-42688882-C-G.
Other names: c.1116-116C>G (NM_024344.2); c.972-116C>G (NM_173087.2).
Identifiers: ClinVar variation 677714 (VCV000677714.1), dbSNP rs16973233, ClinGen allele CA269841735.

ClinVar aggregate classification (germline): Benign (1 of 4 stars; one submission).

Allele frequency attached by ClinVar (database versions not stated): gnomAD 0.03007 and 0.03217; TOPMed 0.03363; 1000 Genomes Project 0.03814; 1000 Genomes Project 30x 0.04060.
gnomAD v4.1: 6,808 of 788,986 alleles (0.86%); highest among the groups gnomAD compares: African/African-American, 10%; 321 homozygotes.

Submission:

GeneDx
Classification: Benign. Last evaluated: 2018-06-18. Review status: criteria provided, single submitter. Criteria: GeneDx Variant Classification (06012015). Collection method: clinical testing. Allele origin: germline. Affected: yes.
Comment: This variant is considered likely benign or benign based on one or more of the following criteria: it is a conservative change, it occurs at a poorly conserved position in the protein, it is predicted to be benign by multiple in silico algorithms, and/or has population frequency not consistent with disease.